The following is an entry in ClinVar:

ClinVar aggregate classification (germline): Pathogenic (1 of 4 stars; one submission).

Conditions:
Duchenne muscular dystrophy (DMD). Also called: MUSCULAR DYSTROPHY, PSEUDOHYPERTROPHIC PROGRESSIVE, DUCHENNE TYPE; Duchenne Muscular Dystrophy (DMD). Identifiers: Orphanet 98896, MedGen C0013264, MONDO:0010679, OMIM 310200.

Submission:

Labcorp Genetics (formerly Invitae), Labcorp
Classification: Pathogenic for Duchenne muscular dystrophy. Last evaluated: 2020-09-08. Review status: criteria provided, single submitter. Criteria: Invitae Variant Classification Sherloc (09022015). Collection method: clinical testing. Allele origin: germline.
Comment: Similar variants have been observed in individual(s) with Duchenne muscular dystrophy (PMID: 31705731, 29604111). This variant is a gross deletion of the genomic region encompassing exon(s) 1-48 of the DMD gene, which includes the initiator codon. The 5' end of this event is unknown as it extends beyond the assayed region for this gene and therefore may encompass additional genes. The 3' boundary is likely confined to intron 48 of the DMD gene. This is expected to result in an absent or disrupted protein product. For these reasons, this variant has been classified as Pathogenic. Loss-of-function variants in DMD are known to be pathogenic (PMID: 16770791, 25007885).

Literature cited by the submitters: PubMed 31705731; PubMed 29604111; PubMed 16770791; PubMed 25007885.

NC_000023.10:g.(?_31893295)_(33229429_?)del

Gene: DMD (dystrophin; minus strand). Cytogenetic location: Xp21.1.
Variant type: Deletion.
Identifiers: ClinVar variation 1071382 (VCV001071382.8).